The following is an entry in ClinVar:

NM_000051.4(ATM):c.186-8del

Gene: ATM (ATM serine/threonine kinase; plus strand). Cytogenetic location: 11q22.3.
Variant type: Deletion.
Coding change: c.186-8del on transcript NM_000051.4 (MANE Select); 8 bases into the intron before coding-DNA position 186, one base deleted (T; older notation c.186-8delT).
Molecular consequence: intron variant.
Genome position (GRCh38, 1-based): chr11:108,229,170, T deleted; the last of 4 consecutive T bases (chr11:108,229,167-108,229,170); deleting any one gives the same sequence. VCF-style (leftmost placement, unchanged base first): chr11-108229166-GT-G. GRCh37 (hg19) VCF-style: chr11-108099893-GT-G.
Other names: c.186-11delT (NM_000051.3); c.186-8del (NM_001351834.2, NM_001351835.2, NM_001351836.2 and 1 more transcripts).
Identifiers: ClinVar variation 490442 (VCV000490442.17), dbSNP rs1555055031, ClinGen allele CA658683707.

ClinVar aggregate classification (germline): Conflicting classifications of pathogenicity. Review status: criteria provided, conflicting classifications (1 of 4 stars). 6 submissions from 6 submitters: Uncertain significance (1); Benign (2); Likely benign (3). Last evaluated 2025-11-17.

Conditions:
Hereditary cancer-predisposing syndrome. Also called: Tumor predisposition; Neoplastic Syndromes, Hereditary; Hereditary Cancer Syndrome; Hereditary neoplastic syndrome. Identifiers: Orphanet 140162, MedGen C0027672, MeSH D009386, MONDO:0015356.
Familial cancer of breast. Also called: BREAST CANCER, FAMILIAL; hereditary breast carcinoma; Hereditary breast cancer. Identifiers: Orphanet 227535, MedGen C0346153, MONDO:0016419, OMIM 114480. Disease mechanism: loss of function.
Ataxia-telangiectasia syndrome (AT). Also called: Ataxia-telangiectasia; Ataxia-telangiectasia, complementation group D; AT, COMPLEMENTATION GROUP C; LOUIS-BAR SYNDROME; Cerebello-oculocutaneous telangiectasia; Immunodeficiency with ataxia telangiectasia. Identifiers: Orphanet 100, MedGen C0004135, MONDO:0008840, OMIM 208900.

Submissions (6):

Labcorp Genetics (formerly Invitae), Labcorp
Classification: Likely benign for Ataxia-telangiectasia syndrome. Last evaluated: 2025-11-17. Review status: criteria provided, single submitter. Criteria: Invitae Variant Classification Sherloc (09022015). Collection method: clinical testing. Allele origin: germline.

Quest Diagnostics Nichols Institute San Juan Capistrano
Classification: Uncertain significance. Last evaluated: 2025-07-31. Review status: criteria provided, single submitter. Criteria: Quest Diagnostics criteria. Collection method: clinical testing. Allele origin: unknown.

ARUP Laboratories, Molecular Genetics and Genomics, ARUP Laboratories
Classification: Likely benign. Last evaluated: 2025-05-18. Review status: criteria provided, single submitter. Criteria: ARUP Molecular Germline Variant Investigation Process 2024. Collection method: clinical testing. Allele origin: germline.

Myriad Genetics, Inc.
Classification: Benign for Familial cancer of breast. Last evaluated: 2024-04-18. Review status: criteria provided, single submitter. Criteria: Myriad Autosomal Dominant, Autosomal Recessive and X-Linked Classification Criteria (2023). Collection method: clinical testing. Allele origin: unknown.
Comment: This variant is considered benign. This variant is intronic and is not expected to impact mRNA splicing. This variant is strongly associated with less severe personal and family histories of cancer, typical for individuals without pathogenic variants in this gene [PMID: 25085752].

Color Diagnostics, LLC DBA Color Health
Classification: Likely benign for Hereditary cancer-predisposing syndrome. Last evaluated: 2015-04-14. Review status: criteria provided, single submitter. Criteria: ACMG Guidelines, 2015. Collection method: clinical testing. Allele origin: germline.

GeneDx
Classification: Benign. Last evaluated: 2015-03-03. Review status: criteria provided, single submitter. Criteria: GeneDx Variant Classification Process June 2021. Collection method: clinical testing. Allele origin: germline. Affected: yes.

Literature cited by the submitters: PubMed 25085752 (cited by Myriad Genetics, Inc.).